The following is an entry in ClinVar:

NM_182920.2(ADAMTS9):c.3504C>G (p.Pro1168=)

Gene: ADAMTS9 (ADAM metallopeptidase with thrombospondin type 1 motif 9; minus strand). Cytogenetic location: 3p14.1.
Variant type: single nucleotide variant.
Coding change: c.3504C>G on transcript NM_182920.2 (MANE Select); coding-DNA position 3504, C replaced by G.
Protein change: p.Pro1168=; no amino-acid change (proline 1168 retained).
Molecular consequence: synonymous variant.
Genome position (GRCh38, 1-based): chr3:64,604,302, G>C on the plus strand (C>G on the coding strand, the complement: ADAMTS9 is on the minus strand). VCF-style: chr3-64604302-G-C. GRCh37 (hg19) VCF-style: chr3-64589978-G-C.
Other names: c.3420C>G, p.Pro1140= (NM_001318781.2); c.3504C>G (NM_182920.1).
Identifiers: ClinVar variation 1575202 (VCV001575202.11), dbSNP rs201804556, ClinGen allele CA2480812.

ClinVar aggregate classification (germline): Likely benign. Review status: criteria provided, multiple submitters, no conflicts (2 of 4 stars). 3 submissions from 3 submitters: Likely benign (2). 1 of the submissions does not count toward it. Last evaluated 2021-12-02.

Conditions:
ADAMTS9-related disorder. Also called: ADAMTS9-related condition.

Allele frequency attached by ClinVar (database versions not stated): TOPMed 0.00003; gnomAD 0.00004; gnomAD exomes 0.00004 and 0.00007; ExAC 0.00005.
gnomAD v4.1: 79 of 1,612,792 alleles (0.0049%); highest among the groups gnomAD compares: Middle Eastern, 0.13%; no homozygotes.

Submissions (3):

Labcorp Genetics (formerly Invitae), Labcorp
Classification: Likely benign. Last evaluated: 2021-12-02. Review status: criteria provided, single submitter. Criteria: Invitae Variant Classification Sherloc (09022015). Collection method: clinical testing. Allele origin: germline.

Breakthrough Genomics
Classification: Likely benign. Review status: criteria provided, single submitter. Criteria: ACMG Guidelines, 2015. Collection method: not provided. Allele origin: germline. Inheritance: Unknown mechanism. Affected: yes.

PreventionGenetics, part of Exact Sciences
Classification: Likely benign for ADAMTS9-related condition. Last evaluated: 2019-06-21. Review status: no assertion criteria provided. Collection method: clinical testing. Allele origin: germline. Not counted in ClinVar's aggregate classification.
Comment: This variant is classified as likely benign based on ACMG/AMP sequence variant interpretation guidelines (Richards et al. 2015 PMID: 25741868, with internal and published modifications).